The following is an entry in ClinVar:

ClinVar aggregate classification (germline): Likely benign (1 of 4 stars; one submission).

Allele frequency attached by ClinVar (database versions not stated): ESP Exome Variant Server 0.00008; 1000 Genomes Project 30x 0.00016; gnomAD exomes 0.00017; 1000 Genomes Project 0.00020; gnomAD 0.00021; TOPMed 0.00025; ExAC 0.00035.
gnomAD v4.1: 325 of 1,612,312 alleles (0.02%); highest among the groups gnomAD compares: Middle Eastern, 0.31%; 2 homozygotes.

Submission:

CeGaT Center for Human Genetics Tuebingen
Classification: Likely benign. Last evaluated: 2023-07-01. Review status: criteria provided, single submitter. Criteria: CeGaT Center For Human Genetics Tuebingen Variant Classification Criteria Version 2. Collection method: clinical testing. Allele origin: germline. Affected: yes. Observed: 1 variant allele.
Comment: NTN1: BP4

NM_004822.3(NTN1):c.519C>T (p.Pro173=)

Gene: NTN1 (netrin 1; plus strand). Cytogenetic location: 17p13.1.
Variant type: single nucleotide variant.
Coding change: c.519C>T on transcript NM_004822.3 (MANE Select); coding-DNA position 519, C replaced by T.
Protein change: p.Pro173=; no amino-acid change (proline 173 retained).
Molecular consequence: synonymous variant.
Genome position (GRCh38, 1-based): chr17:9,022,892, C>T. VCF-style: chr17-9022892-C-T. GRCh37 (hg19) VCF-style: chr17-8926209-C-T.
Identifiers: ClinVar variation 2647463 (VCV002647463.24), dbSNP rs146020999, ClinGen allele CA8381006.